The following is an entry in ClinVar:

ClinVar aggregate classification (germline): Uncertain significance (1 of 4 stars; one submission).

Conditions:
Hereditary cancer-predisposing syndrome. Also called: Neoplastic Syndromes, Hereditary; Tumor predisposition; Hereditary Cancer Syndrome; Hereditary neoplastic syndrome. Identifiers: Orphanet 140162, MedGen C0027672, MeSH D009386, MONDO:0015356.

Submission:

Ambry Genetics
Classification: Uncertain significance for Hereditary cancer-predisposing syndrome. Last evaluated: 2025-08-08. Review status: criteria provided, single submitter. Criteria: Ambry Variant Classification Scheme 2023. Collection method: clinical testing. Allele origin: germline.
Comment: The p.E1468Q variant (also known as c.4402G>C), located in coding exon 30 of the SMARCA4 gene, results from a G to C substitution at nucleotide position 4402. The glutamic acid at codon 1468 is replaced by glutamine, an amino acid with highly similar properties. This amino acid position is conserved. In addition, this alteration is predicted to be tolerated by in silico analysis. Based on the available evidence, the clinical significance of this variant remains unclear.

NM_003072.5(SMARCA4):c.4306G>C (p.Glu1436Gln)

Gene: SMARCA4 (SWI/SNF related BAF chromatin remodeling complex subunit ATPase 4; plus strand). Cytogenetic location: 19p13.2.
Variant type: single nucleotide variant.
Coding change: c.4306G>C on transcript NM_003072.5 (MANE Select); coding-DNA position 4306, G replaced by C.
Protein change: p.Glu1436Gln; replaces glutamic acid 1436 with glutamine.
Molecular consequence: missense variant. On other transcripts: non-coding transcript variant (1).
Genome position (GRCh38, 1-based): chr19:11,041,442, G>C. VCF-style: chr19-11041442-G-C. GRCh37 (hg19) VCF-style: chr19-11152118-G-C.
Other names: c.4306G>C, p.Glu1436Gln (NM_001128844.3); c.4216G>C, p.Glu1406Gln (NM_001128845.2, NM_001128846.2); c.4207G>C, p.Glu1403Gln (NM_001128847.4, NM_001128848.2, NM_001374457.1); c.4402G>C, p.Glu1468Gln (NM_001128849.3, NM_001387283.1); c.4303G>C, p.Glu1435Gln (NM_001411150.1); short protein forms E1406Q, E1435Q, E1436Q, E1468Q, E1403Q.
Identifiers: ClinVar variation 4170170 (VCV004170170.1).
Genomic context (GRCh38, chr19:11,041,442, plus strand): 5'-GACAGCGACGCCGGCTCCTCCACCCCGACCACCAGCACCCGCAGCCGCGACAAGGACGAC[G>C]AGAGCAAGAAGCAGAAGAAGCGCGGGCGGCCGCCTGCCGAGAAACTCTCCCCTAACCCAC-3'
Protein context (NP_003063.2, residues 1426-1446): TSTRSRDKDD[Glu1436Gln]SKKQKKRGRP